The following is an entry in ClinVar:

NM_000064.4(C3):c.2430G>A (p.Ser810=)

Gene: C3 (complement C3; minus strand). Cytogenetic location: 19p13.3.
Variant type: single nucleotide variant.
Coding change: c.2430G>A on transcript NM_000064.4 (MANE Select); coding-DNA position 2430, G replaced by A.
Protein change: p.Ser810=; no amino-acid change (serine 810 retained).
Molecular consequence: synonymous variant.
Genome position (GRCh38, 1-based): chr19:6,702,137, C>T on the plus strand (G>A on the coding strand, the complement: C3 is on the minus strand). VCF-style: chr19-6702137-C-T. GRCh37 (hg19) VCF-style: chr19-6702148-C-T.
Other names: p.Ser810=; c.2430G>A (LRG_27t1).
Identifiers: ClinVar variation 330304 (VCV000330304.22), dbSNP rs2230207, ClinGen allele CA9129087.

ClinVar aggregate classification (germline): Benign/Likely benign. Review status: criteria provided, multiple submitters, no conflicts (2 of 4 stars). 10 submissions from 8 submitters: Benign (9); Likely benign (1). Last evaluated 2026-02-02.

Conditions:
Atypical hemolytic-uremic syndrome with C3 anomaly. Also called: AHUS, SUSCEPTIBILITY TO, 5. Identifiers: Orphanet 2134, MedGen C2752037, MONDO:0013043, OMIM 612925.
Age related macular degeneration 9. Identifiers: MedGen C1969651, MONDO:0012659, OMIM 611378.
Complement component 3 deficiency. Identifiers: Orphanet 280133, MedGen C3151071, MONDO:0013417, OMIM 613779.

Allele frequency attached by ClinVar (database versions not stated): gnomAD exomes 0.00477 and 0.01273; ExAC 0.01512; gnomAD 0.04560 and 0.04934; 1000 Genomes Project 0.04912; TOPMed 0.05092; 1000 Genomes Project 30x 0.05122; ESP Exome Variant Server 0.05313.
gnomAD v4.1: 14,089 of 1,590,206 alleles (0.89%); highest among the groups gnomAD compares: African/African-American, 15%; 936 homozygotes.

Submissions 1 to 30 of 42:

Labcorp Genetics (formerly Invitae), Labcorp
Classification: Benign. Last evaluated: 2026-02-02. Review status: criteria provided, single submitter. Criteria: Invitae Variant Classification Sherloc (09022015). Collection method: clinical testing. Allele origin: germline.

Women's Health and Genetics/Laboratory Corporation of America, LabCorp
Classification: Benign. Last evaluated: 2026-01-21. Review status: criteria provided, single submitter. Criteria: LabCorp Variant Classification Summary - May 2015. Collection method: clinical testing. Allele origin: germline.

Center for Genomic Medicine, Rigshospitalet, Copenhagen University Hospital
Classification: Benign. Last evaluated: 2025-03-04. Review status: criteria provided, single submitter. Criteria: ACMG Guidelines, 2015. Collection method: clinical testing. Allele origin: germline.

Blueprint Genetics
Classification: Likely benign. Last evaluated: 2024-11-26. Review status: criteria provided, single submitter. Criteria: ACMG Guidelines, 2015. Collection method: clinical testing. Allele origin: germline.

Mayo Clinic Laboratories, Mayo Clinic
Classification: Benign. Last evaluated: 2022-03-10. Review status: criteria provided, single submitter. Criteria: ACMG Guidelines, 2015. Collection method: clinical testing. Allele origin: germline. Observed: 247 variant alleles.

GeneDx
Classification: Benign. Last evaluated: 2021-06-09. Review status: criteria provided, single submitter. Criteria: GeneDx Variant Classification Process June 2021. Collection method: clinical testing. Allele origin: germline. Affected: yes.

Illumina Laboratory Services, Illumina
Classification: Benign for Atypical hemolytic-uremic syndrome with C3 anomaly. Last evaluated: 2018-01-13. Review status: criteria provided, single submitter. Criteria: ICSL Variant Classification Criteria 13 December 2019. Collection method: clinical testing. Allele origin: germline.
Comment: This variant was observed in the ICSL laboratory as part of a predisposition screen in an ostensibly healthy population. It had not been previously curated by ICSL or reported in the Human Gene Mutation Database (HGMD: prior to June 1st, 2018), and was therefore a candidate for classification through an automated scoring system. Utilizing variant allele frequency, disease prevalence and penetrance estimates, and inheritance mode, an automated score was calculated to assess if this variant is too frequent to cause the disease. Based on the score and internal cut-off values, a variant classified as benign is not then subjected to further curation. The score for this variant resulted in a classification of benign for this disease.

Illumina Laboratory Services, Illumina
Classification: Benign for Complement component 3 deficiency. Last evaluated: 2018-01-13. Review status: criteria provided, single submitter. Criteria: ICSL Variant Classification Criteria 13 December 2019. Collection method: clinical testing. Allele origin: germline.
Comment: the same text as in the submission from Illumina Laboratory Services, Illumina above.

Illumina Laboratory Services, Illumina
Classification: Benign for Age related macular degeneration 9. Last evaluated: 2018-01-13. Review status: criteria provided, single submitter. Criteria: ICSL Variant Classification Criteria 13 December 2019. Collection method: clinical testing. Allele origin: germline.
Comment: the same text as in the submission from Illumina Laboratory Services, Illumina above.

Breakthrough Genomics
Classification: Benign. Review status: criteria provided, single submitter. Criteria: ACMG Guidelines, 2015. Collection method: not provided. Allele origin: germline. Inheritance: Autosomal recessive inheritance. Affected: yes.

Dr. Peter K. Rogan Lab, Western University
No classification provided (evidence only). Condition: Clear cell carcinoma of kidney. Review status: no classification provided. Collection method: in vitro. Allele origin: not applicable. Functional consequence: retained intron. Not counted in ClinVar's aggregate classification.

Dr. Peter K. Rogan Lab, Western University
No classification provided (evidence only). Condition: Clear cell carcinoma of kidney. Review status: no classification provided. Collection method: in vitro. Allele origin: not applicable. Functional consequence: retained intron. Not counted in ClinVar's aggregate classification.

Dr. Peter K. Rogan Lab, Western University
No classification provided (evidence only). Condition: Clear cell carcinoma of kidney. Review status: no classification provided. Collection method: in vitro. Allele origin: not applicable. Functional consequence: retained intron. Not counted in ClinVar's aggregate classification.

Dr. Peter K. Rogan Lab, Western University
No classification provided (evidence only). Condition: Clear cell carcinoma of kidney. Review status: no classification provided. Collection method: in vitro. Allele origin: not applicable. Functional consequence: retained intron. Not counted in ClinVar's aggregate classification.

Dr. Peter K. Rogan Lab, Western University
No classification provided (evidence only). Condition: Clear cell carcinoma of kidney. Review status: no classification provided. Collection method: in vitro. Allele origin: not applicable. Functional consequence: retained intron. Not counted in ClinVar's aggregate classification.

Dr. Peter K. Rogan Lab, Western University
No classification provided (evidence only). Condition: Clear cell carcinoma of kidney. Review status: no classification provided. Collection method: in vitro. Allele origin: not applicable. Functional consequence: retained intron. Not counted in ClinVar's aggregate classification.

Dr. Peter K. Rogan Lab, Western University
No classification provided (evidence only). Condition: Clear cell carcinoma of kidney. Review status: no classification provided. Collection method: in vitro. Allele origin: not applicable. Functional consequence: retained intron. Not counted in ClinVar's aggregate classification.

Dr. Peter K. Rogan Lab, Western University
No classification provided (evidence only). Condition: Clear cell carcinoma of kidney. Review status: no classification provided. Collection method: in vitro. Allele origin: not applicable. Functional consequence: retained intron. Not counted in ClinVar's aggregate classification.

Dr. Peter K. Rogan Lab, Western University
No classification provided (evidence only). Condition: Clear cell carcinoma of kidney. Review status: no classification provided. Collection method: in vitro. Allele origin: not applicable. Functional consequence: retained intron. Not counted in ClinVar's aggregate classification.

Dr. Peter K. Rogan Lab, Western University
No classification provided (evidence only). Condition: Lung cancer. Review status: no classification provided. Collection method: in vitro. Allele origin: not applicable. Functional consequence: retained intron. Not counted in ClinVar's aggregate classification.

Dr. Peter K. Rogan Lab, Western University
No classification provided (evidence only). Condition: Lung cancer. Review status: no classification provided. Collection method: in vitro. Allele origin: not applicable. Functional consequence: retained intron. Not counted in ClinVar's aggregate classification.

Dr. Peter K. Rogan Lab, Western University
No classification provided (evidence only). Condition: Colon adenocarcinoma. Review status: no classification provided. Collection method: in vitro. Allele origin: not applicable. Functional consequence: retained intron. Not counted in ClinVar's aggregate classification.

Dr. Peter K. Rogan Lab, Western University
No classification provided (evidence only). Condition: Colon adenocarcinoma. Review status: no classification provided. Collection method: in vitro. Allele origin: not applicable. Functional consequence: retained intron. Not counted in ClinVar's aggregate classification.

Dr. Peter K. Rogan Lab, Western University
No classification provided (evidence only). Condition: Colon adenocarcinoma. Review status: no classification provided. Collection method: in vitro. Allele origin: not applicable. Functional consequence: retained intron. Not counted in ClinVar's aggregate classification.

Dr. Peter K. Rogan Lab, Western University
No classification provided (evidence only). Condition: Thyroid cancer, nonmedullary, 1. Review status: no classification provided. Collection method: in vitro. Allele origin: not applicable. Functional consequence: retained intron. Not counted in ClinVar's aggregate classification.

Dr. Peter K. Rogan Lab, Western University
No classification provided (evidence only). Condition: Thyroid cancer, nonmedullary, 1. Review status: no classification provided. Collection method: in vitro. Allele origin: not applicable. Functional consequence: retained intron. Not counted in ClinVar's aggregate classification.

Dr. Peter K. Rogan Lab, Western University
No classification provided (evidence only). Condition: Thyroid cancer, nonmedullary, 1. Review status: no classification provided. Collection method: in vitro. Allele origin: not applicable. Functional consequence: retained intron. Not counted in ClinVar's aggregate classification.

Dr. Peter K. Rogan Lab, Western University
No classification provided (evidence only). Condition: Cervical cancer. Review status: no classification provided. Collection method: in vitro. Allele origin: not applicable. Functional consequence: retained intron. Not counted in ClinVar's aggregate classification.

Dr. Peter K. Rogan Lab, Western University
No classification provided (evidence only). Condition: Cervical cancer. Review status: no classification provided. Collection method: in vitro. Allele origin: not applicable. Functional consequence: retained intron. Not counted in ClinVar's aggregate classification.

Dr. Peter K. Rogan Lab, Western University
No classification provided (evidence only). Condition: Cervical cancer. Review status: no classification provided. Collection method: in vitro. Allele origin: not applicable. Functional consequence: retained intron. Not counted in ClinVar's aggregate classification.